The following is an entry in ClinVar:

ClinVar aggregate classification (germline): Likely benign. Review status: criteria provided, multiple submitters, no conflicts (2 of 4 stars). 2 submissions from 2 submitters: Likely benign (2). Last evaluated 2024-09-02.

Allele frequency attached by ClinVar (database versions not stated): 1000 Genomes Project 30x 0.00047.

Submissions (2):

Blueprint Genetics
Classification: Likely benign. Last evaluated: 2024-09-02. Review status: criteria provided, single submitter. Criteria: ACMG Guidelines, 2015. Collection method: clinical testing. Allele origin: germline.

CeGaT Center for Human Genetics Tuebingen
Classification: Likely benign. Last evaluated: 2022-06-01. Review status: criteria provided, single submitter. Criteria: CeGaT Center For Human Genetics Tuebingen Variant Classification Criteria Version 2. Collection method: clinical testing. Allele origin: germline. Affected: yes. Observed: 1 variant allele.
Comment: HYDIN: BP4, BP7

NM_001270974.2(HYDIN):c.3543C>T (p.Asn1181=)

Gene: HYDIN (HYDIN axonemal central pair apparatus protein; minus strand). Cytogenetic location: 16q22.2.
Variant type: single nucleotide variant.
Coding change: c.3543C>T on transcript NM_001270974.2 (MANE Select); coding-DNA position 3543, C replaced by T.
Protein change: p.Asn1181=; no amino-acid change (asparagine 1181 retained).
Molecular consequence: synonymous variant.
Genome position (GRCh38, 1-based): chr16:71,018,230, G>A on the plus strand (C>T on the coding strand, the complement: HYDIN is on the minus strand). VCF-style: chr16-71018230-G-A. GRCh37 (hg19) VCF-style: chr16-71052133-G-A.
Identifiers: ClinVar variation 2646779 (VCV002646779.25), dbSNP rs1303573937, ClinGen allele CA496252848.